The following is an entry in ClinVar:

ClinVar aggregate classification (germline): Uncertain significance (1 of 4 stars; one submission).

Conditions:
Autosomal recessive nonsyndromic hearing loss 37. Identifiers: Orphanet 90636, MedGen C1843028, MONDO:0011912, OMIM 607821.
Autosomal dominant nonsyndromic hearing loss 22. Also called: DFNA 22; Autosomal dominant nonsyndromic deafness 22. Identifiers: Orphanet 228012, MedGen C2931767, MONDO:0011660, OMIM 606346.

Submission:

Juno Genomics, Hangzhou Juno Genomics, Inc
Classification: Uncertain significance for Autosomal dominant nonsyndromic hearing loss 22; Autosomal recessive nonsyndromic hearing loss 37. Review status: criteria provided, single submitter. Criteria: ACMG Guidelines, 2015. Collection method: clinical testing. Allele origin: germline.
Comment: Absent from controls (or at extremely low frequency if recessive) in Genome Aggregation Database.;Multiple lines of computational evidence support a deleterious effect on the gene or gene product.

NM_004999.4(MYO6):c.3659G>C (p.Gly1220Ala)

Gene: MYO6 (myosin VI; plus strand). Cytogenetic location: 6q14.1.
Variant type: single nucleotide variant.
Coding change: c.3659G>C on transcript NM_004999.4 (MANE Select); coding-DNA position 3659, G replaced by C.
Protein change: p.Gly1220Ala; replaces glycine 1220 with alanine.
Molecular consequence: missense variant. On other transcripts: non-coding transcript variant (1).
Genome position (GRCh38, 1-based): chr6:75,914,813, G>C. VCF-style: chr6-75914813-G-C. GRCh37 (hg19) VCF-style: chr6-76624530-G-C.
Other names: c.3590G>C, p.Gly1197Ala (NM_001300899.2); c.3563G>C, p.Gly1188Ala (NM_001368136.1); c.3620G>C, p.Gly1207Ala (NM_001368137.1); c.3575G>C, p.Gly1192Ala (NM_001368138.1); c.3686G>C, p.Gly1229Ala (NM_001368865.1); c.3659G>C, p.Gly1220Ala (NM_001368866.1); short protein forms G1192A, G1197A, G1207A, G1220A, G1229A, G1188A.
Identifiers: ClinVar variation 5007095 (VCV005007095.2).
Genomic context (GRCh38, chr6:75,914,813, plus strand): 5'-ACTGGTAAGAAATGGTCCTGAAGAGAGAGATGGTAATTTTCTGATATCTCATGAATACAG[G>C]TAAGGACGACATGGAGATGTGTGAGCTGAATCTTGAGGAGACTGGCCTGACTCGGAAGCG-3'
Protein context (NP_004990.3, residues 1210-1230): PDKPPILLVA[Gly1220Ala]KDDMEMCELN